The following is an entry in ClinVar:

ClinVar aggregate classification (germline): Uncertain significance (1 of 4 stars; one submission).

Conditions:
Charcot-Marie-Tooth disease type 4. Also called: Charcot-Marie-Tooth, Type 4; Charcot-Marie-Tooth disease, type IV. Identifiers: Orphanet 64749, MedGen C4082197, MONDO:0018995.

Allele frequency attached by ClinVar (database versions not stated): gnomAD exomes below 0.00001.

Submission:

Labcorp Genetics (formerly Invitae), Labcorp
Classification: Uncertain significance for Charcot-Marie-Tooth disease type 4. Last evaluated: 2020-07-24. Review status: criteria provided, single submitter. Criteria: Invitae Variant Classification Sherloc (09022015). Collection method: clinical testing. Allele origin: germline.
Comment: This sequence change replaces proline with serine at codon 1198 of the SH3TC2 protein (p.Pro1198Ser). The proline residue is highly conserved and there is a moderate physicochemical difference between proline and serine. This variant is not present in population databases (ExAC no frequency). In summary, the available evidence is currently insufficient to determine the role of this variant in disease. Therefore, it has been classified as a Variant of Uncertain Significance. Advanced modeling of protein sequence and biophysical properties (such as structural, functional, and spatial information, amino acid conservation, physicochemical variation, residue mobility, and thermodynamic stability) performed at Invitae indicates that this missense variant is not expected to disrupt SH3TC2 protein function. This variant has not been reported in the literature in individuals with SH3TC2-related conditions.

NM_024577.4(SH3TC2):c.3592C>T (p.Pro1198Ser)

Gene: SH3TC2 (SH3 domain and tetratricopeptide repeats 2; minus strand). Cytogenetic location: 5q32.
Variant type: single nucleotide variant.
Coding change: c.3592C>T on transcript NM_024577.4 (MANE Select); coding-DNA position 3592, C replaced by T.
Protein change: p.Pro1198Ser; replaces proline 1198 with serine.
Molecular consequence: missense variant.
Genome position (GRCh38, 1-based): chr5:149,006,964, G>A on the plus strand (C>T on the coding strand, the complement: SH3TC2 is on the minus strand). VCF-style: chr5-149006964-G-A. GRCh37 (hg19) VCF-style: chr5-148386527-G-A.
Other names: short protein forms P1198S.
Identifiers: ClinVar variation 1017990 (VCV001017990.8), dbSNP rs1561756981, ClinGen allele CA361664051.